The following is an entry in ClinVar:

ClinVar aggregate classification (germline): Uncertain significance (1 of 4 stars; one submission).

Submission:

Labcorp Genetics (formerly Invitae), Labcorp
Classification: Uncertain significance. Last evaluated: 2021-12-02. Review status: criteria provided, single submitter. Criteria: Invitae Variant Classification Sherloc (09022015). Collection method: clinical testing. Allele origin: germline.
Comment: This variant has not been reported in the literature in individuals affected with ATP8A2-related conditions. In summary, the available evidence is currently insufficient to determine the role of this variant in disease. Therefore, it has been classified as a Variant of Uncertain Significance. Algorithms developed to predict the effect of missense changes on protein structure and function (SIFT, PolyPhen-2, Align-GVGD) all suggest that this variant is likely to be tolerated. This variant is not present in population databases (gnomAD no frequency). This sequence change replaces valine, which is neutral and non-polar, with leucine, which is neutral and non-polar, at codon 1000 of the ATP8A2 protein (p.Val1000Leu).

NM_016529.6(ATP8A2):c.2998G>C (p.Val1000Leu)

Gene: ATP8A2 (ATPase phospholipid transporting 8A2). Cytogenetic location: 13q12.13.
Variant type: single nucleotide variant.
Coding change: c.2998G>C on transcript NM_016529.6 (MANE Select); coding-DNA position 2998, G replaced by C.
Protein change: p.Val1000Leu; replaces valine 1000 with leucine.
Molecular consequence: missense variant.
Genome position (GRCh38, 1-based): chr13:25,860,236, G>C. VCF-style: chr13-25860236-G-C. GRCh37 (hg19) VCF-style: chr13-26434374-G-C.
Other names: c.2803G>C, p.Val935Leu (NM_001313741.1); short protein forms V935L, V1000L.
Identifiers: ClinVar variation 1362796 (VCV001362796.8), dbSNP rs1001482936, ClinGen allele CA387683946.
Genomic context (GRCh38, chr13:25,860,236, plus strand): 5'-TAACTTCTTTGTTTTTCAGATACTGTGTTGACAAGTGGTCATGCTACCGACTATTTATTT[G>C]TTGGAAATATTGTTTACACAGTAAGTTTATCTCTGTTTATTAAGCCATTCTTAAACAGCT-3'
Protein context (NP_057613.4, residues 990-1010): TSGHATDYLF[Val1000Leu]GNIVYTYVVV